The following is an entry in ClinVar:

NM_001005361.3(DNM2):c.1837G>A (p.Val613Met)

Gene: DNM2 (dynamin 2; plus strand). Cytogenetic location: 19p13.2.
Variant type: single nucleotide variant.
Coding change: c.1837G>A on transcript NM_001005361.3 (MANE Select); coding-DNA position 1837, G replaced by A.
Protein change: p.Val613Met; replaces valine 613 with methionine.
Molecular consequence: missense variant.
Genome position (GRCh38, 1-based): chr19:10,823,843, G>A. VCF-style: chr19-10823843-G-A. GRCh37 (hg19) VCF-style: chr19-10934519-G-A.
Other names: c.1837G>A, p.Val613Met (NM_001005360.3, NM_001190716.2); c.1825G>A, p.Val609Met (NM_001005362.3, NM_004945.4); short protein forms V613M, V609M.
Identifiers: ClinVar variation 447272 (VCV000447272.21), dbSNP rs748286191, ClinGen allele CA9201417.
Genomic context (GRCh38, chr19:10,823,843, plus strand): 5'-CGCAGAAACGTCTACAAGGACCTGCGGCAGATCGAGCTGGCCTGTGACTCCCAGGAAGAC[G>A]TGGACAGCTGGAAGGCCTCGTTCCTCCGAGCTGGCGTCTACCCCGAGAAGGACCAGGTGA-3'
Protein context (NP_001005361.1, residues 603-623): IELACDSQED[Val613Met]DSWKASFLRA

ClinVar aggregate classification (germline): Benign/Likely benign. Review status: criteria provided, multiple submitters, no conflicts (2 of 4 stars). 4 submissions from 4 submitters: Benign (1); Likely benign (3). Last evaluated 2025-12-16.

Conditions:
DNM2-related disorder. Also called: DNM2-related condition.
Charcot-Marie-Tooth disease dominant intermediate B (CMTDIB). Also called: CHARCOT-MARIE-TOOTH NEUROPATHY, DOMINANT INTERMEDIATE B; Charcot-Marie-Tooth disease dominant intermediate 1; CMT DI1; Charcot-Marie-Tooth disease dominant intermediate I. Identifiers: Orphanet 100044, Orphanet 228179, MedGen C1847902, MONDO:0011674, OMIM 606482.

Allele frequency attached by ClinVar (database versions not stated): gnomAD 0.00004 and 0.00003; gnomAD exomes 0.00008 and 0.00025; TOPMed 0.00011; ExAC 0.00024.
gnomAD v4.1: 115 of 1,613,700 alleles (0.0071%); highest among the groups gnomAD compares: Admixed American, 0.11%; no homozygotes.

Submissions (4):

PreventionGenetics, part of Exact Sciences
Classification: Likely benign for DNM2-related condition. Last evaluated: 2025-12-16. Review status: criteria provided, single submitter. Criteria: ACMG Guidelines, 2015. Collection method: clinical testing. Allele origin: germline.
Comment: This variant is classified as likely benign based on ACMG/AMP sequence variant interpretation guidelines (Richards et al. 2015 PMID: 25741868, with internal and published modifications).

Labcorp Genetics (formerly Invitae), Labcorp
Classification: Likely benign for Charcot-Marie-Tooth disease dominant intermediate B. Last evaluated: 2025-02-10. Review status: criteria provided, single submitter. Criteria: Invitae Variant Classification Sherloc (09022015). Collection method: clinical testing. Allele origin: germline.

ARUP Laboratories, Molecular Genetics and Genomics, ARUP Laboratories
Classification: Likely benign. Last evaluated: 2020-08-26. Review status: criteria provided, single submitter. Criteria: ARUP Molecular Germline Variant Investigation Process. Collection method: clinical testing. Allele origin: germline.

Athena Diagnostics
Classification: Benign. Last evaluated: 2017-01-24. Review status: criteria provided, single submitter. Criteria: Athena Diagnostics Criteria. Collection method: clinical testing. Allele origin: germline.